The following is an entry in ClinVar:

NM_001099922.3(ALG13):c.1947G>A (p.Pro649=)

Gene: ALG13 (ALG13 UDP-N-acetylglucosaminyltransferase subunit; plus strand). Cytogenetic location: Xq23.
Variant type: single nucleotide variant.
Coding change: c.1947G>A on transcript NM_001099922.3 (MANE Select); coding-DNA position 1947, G replaced by A.
Protein change: p.Pro649=; no amino-acid change (proline 649 retained).
Molecular consequence: synonymous variant. On other transcripts: non-coding transcript variant (1).
Genome position (GRCh38, 1-based): chrX:111,727,026, G>A. VCF-style: chrX-111727026-G-A. GRCh37 (hg19) VCF-style: chrX-110970254-G-A.
Other names: c.1635G>A, p.Pro545= (NM_001257230.2, NM_001257234.2, NM_001257237.2); c.1713G>A, p.Pro571= (NM_001257231.2); c.1947G>A, p.Pro649= (NM_001324292.2); c.1461G>A, p.Pro487= (NM_001324293.1).
Identifiers: ClinVar variation 1621529 (VCV001621529.32), dbSNP rs758659441, ClinGen allele CA10493793.

ClinVar aggregate classification (germline): Likely benign. Review status: criteria provided, multiple submitters, no conflicts (2 of 4 stars). 2 submissions from 2 submitters: Likely benign (2). Last evaluated 2024-11-03.

Conditions:
Developmental and epileptic encephalopathy, 36 (DEE36). Also called: Epileptic encephalopathy, early infantile, 36; ALG13-CDG; Congenital disorder of glycosylation, type Is. Identifiers: Orphanet 324422, MedGen C4317295, MONDO:0010472, OMIM 300884.

Allele frequency attached by ClinVar (database versions not stated): ExAC 0.00001; gnomAD 0.00001 and 0.00002; gnomAD exomes 0.00001; 1000 Genomes Project 30x 0.00021; 1000 Genomes Project 0.00026.
gnomAD v4.1: 8 of 1,209,277 alleles (0.00066%); highest among the groups gnomAD compares: Admixed American, 0.0022%; no homozygotes.

Submissions (2):

Labcorp Genetics (formerly Invitae), Labcorp
Classification: Likely benign for Developmental and epileptic encephalopathy, 36. Last evaluated: 2024-11-03. Review status: criteria provided, single submitter. Criteria: Invitae Variant Classification Sherloc (09022015). Collection method: clinical testing. Allele origin: germline.

CeGaT Center for Human Genetics Tuebingen
Classification: Likely benign. Last evaluated: 2022-05-01. Review status: criteria provided, single submitter. Criteria: CeGaT Center For Human Genetics Tuebingen Variant Classification Criteria Version 2. Collection method: clinical testing. Allele origin: germline. Affected: yes. Observed: 1 variant allele.
Comment: ALG13: BP4, BP7